The following is an entry in ClinVar:

ClinVar aggregate classification (germline): Uncertain significance (1 of 4 stars; one submission).

gnomAD v4.1: 34 of 1,613,516 alleles (0.0021%); highest among the groups gnomAD compares: Non-Finnish European, 0.0029%; no homozygotes.

Submission:

Labcorp Genetics (formerly Invitae), Labcorp
Classification: Uncertain significance. Last evaluated: 2025-12-29. Review status: criteria provided, single submitter. Criteria: Invitae Variant Classification Sherloc (09022015). Collection method: clinical testing. Allele origin: germline.
Comment: This sequence change replaces phenylalanine, which is neutral and non-polar, with leucine, which is neutral and non-polar, at codon 487 of the SLC12A2 protein (p.Phe487Leu). This variant is present in population databases (rs772305204, gnomAD 0.004%). This variant has not been reported in the literature in individuals affected with SLC12A2-related conditions. Invitae Evidence Modeling of protein sequence and biophysical properties (such as structural, functional, and spatial information, amino acid conservation, physicochemical variation, residue mobility, and thermodynamic stability) has been performed for this missense variant. However, the output from this modeling did not meet the statistical confidence thresholds required to predict the impact of this variant on SLC12A2 protein function. In summary, the available evidence is currently insufficient to determine the role of this variant in disease. Therefore, it has been classified as a Variant of Uncertain Significance.

NM_001046.3(SLC12A2):c.1461C>G (p.Phe487Leu)

Gene: SLC12A2 (solute carrier family 12 member 2; plus strand). Cytogenetic location: 5q23.3.
Variant type: single nucleotide variant.
Coding change: c.1461C>G on transcript NM_001046.3 (MANE Select); coding-DNA position 1461, C replaced by G.
Protein change: p.Phe487Leu; replaces phenylalanine 487 with leucine.
Molecular consequence: missense variant. On other transcripts: non-coding transcript variant (1).
Genome position (GRCh38, 1-based): chr5:128,138,649, C>G. VCF-style: chr5-128138649-C-G. GRCh37 (hg19) VCF-style: chr5-127474341-C-G.
Other names: c.1461C>G, p.Phe487Leu (NM_001256461.2); short protein forms F487L.
Identifiers: ClinVar variation 4806236 (VCV004806236.1).